The following is an entry in ClinVar:

ClinVar aggregate classification (germline): Uncertain significance (1 of 4 stars; one submission).

gnomAD v4.1: 26 of 1,612,740 alleles (0.0016%); highest among the groups gnomAD compares: Middle Eastern, 0.033%; no homozygotes.

Submission:

Labcorp Genetics (formerly Invitae), Labcorp
Classification: Uncertain significance. Last evaluated: 2025-11-26. Review status: criteria provided, single submitter. Criteria: Invitae Variant Classification Sherloc (09022015). Collection method: clinical testing. Allele origin: germline.
Comment: This sequence change replaces arginine, which is basic and polar, with lysine, which is basic and polar, at codon 3187 of the LAMA5 protein (p.Arg3187Lys). This variant is present in population databases (no rsID available, gnomAD 0.0009%). This variant has not been reported in the literature in individuals affected with LAMA5-related conditions. Invitae Evidence Modeling of protein sequence and biophysical properties (such as structural, functional, and spatial information, amino acid conservation, physicochemical variation, residue mobility, and thermodynamic stability) indicates that this missense variant is expected to disrupt LAMA5 protein function with a positive predictive value of 80%. In summary, the available evidence is currently insufficient to determine the role of this variant in disease. Therefore, it has been classified as a Variant of Uncertain Significance.

NM_005560.6(LAMA5):c.9560G>A (p.Arg3187Lys)

Gene: LAMA5 (laminin subunit alpha 5; minus strand). Cytogenetic location: 20q13.33.
Variant type: single nucleotide variant.
Coding change: c.9560G>A on transcript NM_005560.6 (MANE Select); coding-DNA position 9560, G replaced by A.
Protein change: p.Arg3187Lys; replaces arginine 3187 with lysine.
Molecular consequence: missense variant.
Genome position (GRCh38, 1-based): chr20:62,311,995, C>T on the plus strand (G>A on the coding strand, the complement: LAMA5 is on the minus strand). VCF-style: chr20-62311995-C-T. GRCh37 (hg19) VCF-style: chr20-60887051-C-T.
Other names: short protein forms R3187K.
Identifiers: ClinVar variation 4740860 (VCV004740860.1).